The following is an entry in ClinVar:

NM_182641.4(BPTF):c.7376A>C (p.Gln2459Pro)

Gene: BPTF (bromodomain PHD finger transcription factor; plus strand). Cytogenetic location: 17q24.2.
Variant type: single nucleotide variant.
Coding change: c.7376A>C on transcript NM_182641.4 (MANE Select); coding-DNA position 7376, A replaced by C.
Protein change: p.Gln2459Pro; replaces glutamine 2459 with proline.
Molecular consequence: missense variant. On other transcripts: intron variant (1).
Genome position (GRCh38, 1-based): chr17:67,946,084, A>C. VCF-style: chr17-67946084-A-C. GRCh37 (hg19) VCF-style: chr17-65942200-A-C.
Other names: c.7566+188A>C (NM_004459.7); c.7376A>C (NM_182641.3); short protein forms Q2459P.
Identifiers: ClinVar variation 3250655 (VCV003250655.19), dbSNP rs782434498.

ClinVar aggregate classification (germline): Conflicting classifications of pathogenicity. Review status: criteria provided, conflicting classifications (1 of 4 stars). 2 submissions from 2 submitters: Uncertain significance (1); Likely benign (1). Last evaluated 2025-01-26.

Conditions:
Inborn genetic diseases. Identifiers: MedGen C0950123, MeSH D030342.

Allele frequency attached by ClinVar (database versions not stated): TOPMed 0.00001; ExAC 0.00002; gnomAD exomes 0.00002.
gnomAD v4.1: 32 of 1,614,208 alleles (0.002%); highest among the groups gnomAD compares: Non-Finnish European, 0.0024%; no homozygotes.

Submissions (2):

Ambry Genetics
Classification: Uncertain significance for Inborn genetic diseases. Last evaluated: 2025-01-26. Review status: criteria provided, single submitter. Criteria: Ambry Variant Classification Scheme 2023. Collection method: clinical testing. Allele origin: germline.

CeGaT Center for Human Genetics Tuebingen
Classification: Likely benign. Last evaluated: 2024-06-01. Review status: criteria provided, single submitter. Criteria: CeGaT Center For Human Genetics Tuebingen Variant Classification Criteria Version 2. Collection method: clinical testing. Allele origin: germline. Affected: yes. Observed: 1 variant allele.
Comment: BPTF: BP5